The following is an entry in ClinVar:

ClinVar aggregate classification (germline): Conflicting classifications of pathogenicity. Review status: criteria provided, conflicting classifications (1 of 4 stars). 2 submissions from 2 submitters: Uncertain significance (1); Likely benign (1). Last evaluated 2026-09-01.

gnomAD v4.1: 34 of 1,208,802 alleles (0.0028%); highest among the groups gnomAD compares: Admixed American, 0.073%; no homozygotes.

Submissions (2):

CeGaT Center for Human Genetics Tuebingen
Classification: Likely benign. Last evaluated: 2026-09-01. Review status: criteria provided, single submitter. Criteria: CeGaT Center For Human Genetics Tuebingen Variant Classification Criteria Version 2. Collection method: clinical testing. Allele origin: germline. Affected: yes. Observed: 1 variant allele.
Comment: WNK3: BP4, BS2

Ambry Genetics
Classification: Uncertain significance. Last evaluated: 2024-07-10. Review status: criteria provided, single submitter. Criteria: Ambry Variant Classification Scheme 2023. Collection method: clinical testing. Allele origin: germline.

NM_020922.5(WNK3):c.1532G>T (p.Cys511Phe)

Gene: WNK3 (WNK lysine deficient protein kinase 3; minus strand). Cytogenetic location: Xp11.22.
Variant type: single nucleotide variant.
Coding change: c.1532G>T on transcript NM_020922.5 (MANE Select); coding-DNA position 1532, G replaced by T.
Protein change: p.Cys511Phe; replaces cysteine 511 with phenylalanine.
Molecular consequence: missense variant.
Genome position (GRCh38, 1-based): chrX:54,294,714, C>A on the plus strand (G>T on the coding strand, the complement: WNK3 is on the minus strand). VCF-style: chrX-54294714-C-A. GRCh37 (hg19) VCF-style: chrX-54321147-C-A.
Other names: c.1532G>T, p.Cys511Phe (NM_001002838.4, NM_001395166.1); short protein forms C511F.
Identifiers: ClinVar variation 3470760 (VCV003470760.2).